The following is an entry in ClinVar:

ClinVar aggregate classification (germline): Uncertain significance (1 of 4 stars; one submission).

Allele frequency attached by ClinVar (database versions not stated): gnomAD exomes below 0.00001; TOPMed below 0.00001.
gnomAD v4.1: 2 of 1,614,202 alleles (0.00012%); highest among the groups gnomAD compares: Admixed American, 0.0033%; no homozygotes.

Submission:

Labcorp Genetics (formerly Invitae), Labcorp
Classification: Uncertain significance. Last evaluated: 2023-10-13. Review status: criteria provided, single submitter. Criteria: Invitae Variant Classification Sherloc (09022015). Collection method: clinical testing. Allele origin: germline.
Comment: This sequence change replaces threonine, which is neutral and polar, with isoleucine, which is neutral and non-polar, at codon 473 of the HK1 protein (p.Thr473Ile). This variant is present in population databases (no rsID available, gnomAD 0.003%). This variant has not been reported in the literature in individuals affected with HK1-related conditions. ClinVar contains an entry for this variant (Variation ID: 1926432). Advanced modeling of protein sequence and biophysical properties (such as structural, functional, and spatial information, amino acid conservation, physicochemical variation, residue mobility, and thermodynamic stability) performed at Invitae indicates that this missense variant is not expected to disrupt HK1 protein function. In summary, the available evidence is currently insufficient to determine the role of this variant in disease. Therefore, it has been classified as a Variant of Uncertain Significance.

NM_000188.3(HK1):c.1418C>T (p.Thr473Ile)

Gene: HK1 (hexokinase 1; plus strand). Cytogenetic location: 10q22.1.
Variant type: single nucleotide variant.
Coding change: c.1418C>T on transcript NM_000188.3 (MANE Select); coding-DNA position 1418, C replaced by T.
Protein change: p.Thr473Ile; replaces threonine 473 with isoleucine.
Molecular consequence: missense variant.
Genome position (GRCh38, 1-based): chr10:69,382,639, C>T. VCF-style: chr10-69382639-C-T. GRCh37 (hg19) VCF-style: chr10-71142395-C-T.
Other names: c.1430C>T, p.Thr477Ile (NM_001322364.2, NM_001358263.1, NM_033497.3 and 1 more transcripts); c.1523C>T, p.Thr508Ile (NM_001322365.2); c.1334C>T, p.Thr445Ile (NM_001322366.1); c.1322C>T, p.Thr441Ile (NM_001322367.1); c.1415C>T, p.Thr472Ile (NM_033496.3); c.1382C>T, p.Thr461Ile (NM_033500.2); short protein forms T473I, T445I, T441I, T461I, T472I, T477I, T508I.
Identifiers: ClinVar variation 1926432 (VCV001926432.5), dbSNP rs1354394680, ClinGen allele CA376909861.